The following is an entry in ClinVar:

NM_000719.7(CACNA1C):c.2854-10C>G

Gene: CACNA1C (calcium voltage-gated channel subunit alpha1 C; plus strand). Cytogenetic location: 12p13.33.
Variant type: single nucleotide variant.
Coding change: c.2854-10C>G on transcript NM_000719.7 (MANE Select); 10 bases into the intron before coding-DNA position 2854, C replaced by G.
Molecular consequence: intron variant.
Genome position (GRCh38, 1-based): chr12:2,601,844, C>G. VCF-style: chr12-2601844-C-G. GRCh37 (hg19) VCF-style: chr12-2711010-C-G.
Other names: c.2854-10C>G (NM_001167624.3, NM_001167623.2, NM_001167625.2 and 15 more transcripts); c.2914-10C>G (NM_199460.4, NM_001129827.2, NM_001129832.2); c.2845-10C>G (NM_001129844.2).
Identifiers: ClinVar variation 391106 (VCV000391106.11), dbSNP rs767334396, ClinGen allele CA6389096.
Genomic context (GRCh38, chr12:2,601,844, plus strand): 5'-GGTGGTGTGAGGGGTCTCTGGGCTAGGGCTAGGGCCACTCACACTGGTGTTCCTTTGTCC[C>G]TCCCTGCAGATGACTGCTTATGGGGCTTTCTTGCACAAGGGTTCTTTCTGCCGGAACTAC-3'

ClinVar aggregate classification (germline): Likely benign. Review status: criteria provided, multiple submitters, no conflicts (2 of 4 stars). 3 submissions from 3 submitters: Likely benign (3). Last evaluated 2024-11-19.

Conditions:
Long QT syndrome (LQTS). Identifiers: MedGen C0023976, MeSH D008133, MONDO:0002442. Disease mechanism: loss of function. Inheritance: Various modes of inheritance.

Allele frequency attached by ClinVar (database versions not stated): gnomAD exomes below 0.00001 and 0.00001; gnomAD 0.00001; TOPMed 0.00001; ExAC 0.00002.
gnomAD v4.1: 10 of 1,596,818 alleles (0.00063%); highest among the groups gnomAD compares: Non-Finnish European, 0.00086%; no homozygotes.

Submissions (3):

ARUP Laboratories, Molecular Genetics and Genomics, ARUP Laboratories
Classification: Likely benign. Last evaluated: 2024-11-19. Review status: criteria provided, single submitter. Criteria: ARUP Molecular Germline Variant Investigation Process 2024. Collection method: clinical testing. Allele origin: germline.

Labcorp Genetics (formerly Invitae), Labcorp
Classification: Likely benign for Long QT syndrome. Last evaluated: 2024-05-28. Review status: criteria provided, single submitter. Criteria: Invitae Variant Classification Sherloc (09022015). Collection method: clinical testing. Allele origin: germline.

GeneDx
Classification: Likely benign. Last evaluated: 2016-11-30. Review status: criteria provided, single submitter. Criteria: GeneDx Variant Classification (06012015). Collection method: clinical testing. Allele origin: germline. Affected: yes.
Comment: This variant is considered likely benign or benign based on one or more of the following criteria: it is a conservative change, it occurs at a poorly conserved position in the protein, it is predicted to be benign by multiple in silico algorithms, and/or has population frequency not consistent with disease.